The following is an entry in ClinVar:

NM_004304.5(ALK):c.4438T>C (p.Phe1480Leu)

Gene: ALK (ALK receptor tyrosine kinase; minus strand). Cytogenetic location: 2p23.2.
Variant type: single nucleotide variant.
Coding change: c.4438T>C on transcript NM_004304.5 (MANE Select); coding-DNA position 4438, T replaced by C.
Protein change: p.Phe1480Leu; replaces phenylalanine 1480 with leucine.
Molecular consequence: missense variant.
Genome position (GRCh38, 1-based): chr2:29,193,649, A>G on the plus strand (T>C on the coding strand, the complement: ALK is on the minus strand). VCF-style: chr2-29193649-A-G. GRCh37 (hg19) VCF-style: chr2-29416515-A-G.
Other names: c.1234T>C, p.Phe412Leu (NM_001353765.2); c.4438T>C (NM_004304.4); short protein forms F1480L, F412L.
Identifiers: ClinVar variation 1424474 (VCV001424474.8), dbSNP rs1410822315, ClinGen allele CA346462093.

ClinVar aggregate classification (germline): Uncertain significance. Review status: criteria provided, multiple submitters, no conflicts (2 of 4 stars). 3 submissions from 3 submitters: Uncertain significance (3). Last evaluated 2026-05-04.

Conditions:
Hereditary cancer-predisposing syndrome. Also called: Hereditary Cancer Syndrome; Tumor predisposition; Neoplastic Syndromes, Hereditary; Hereditary neoplastic syndrome. Identifiers: Orphanet 140162, MedGen C0027672, MeSH D009386, MONDO:0015356.
Neuroblastoma, susceptibility to, 3. Also called: ALK-Related Neuroblastic Tumor Susceptibility. Identifiers: Orphanet 635, MedGen C2751681, MONDO:0013083, OMIM 613014.

Allele frequency attached by ClinVar (database versions not stated): gnomAD exomes below 0.00001.
gnomAD v4.1: 2 of 1,614,220 alleles (0.00012%); highest among the groups gnomAD compares: Admixed American, 0.0033%; no homozygotes.

Submissions (3):

Women's Health and Genetics/Laboratory Corporation of America, LabCorp
Classification: Uncertain significance. Last evaluated: 2026-05-04. Review status: criteria provided, single submitter. Criteria: LabCorp Variant Classification Summary - May 2015. Collection method: clinical testing. Allele origin: germline.
Comment: Variant summary: ALK c.4438T>C (p.Phe1480Leu) results in a non-conservative amino acid change in the encoded protein sequence. Algorithms developed to predict the effect of missense changes on protein structure and function are either unavailable or do not agree on the potential impact of this missense change. The variant allele was found at a frequency of 4e-06 in 251346 control chromosomes. The available data on variant occurrences in the general population are insufficient to allow any conclusion about variant significance. To our knowledge, no occurrence of c.4438T>C in individuals affected with ALK-related conditions and no experimental evidence demonstrating its impact on protein function have been reported. ClinVar contains an entry for this variant (Variation ID: 1424474). Based on the evidence outlined above, the variant was classified as uncertain significance.

Labcorp Genetics (formerly Invitae), Labcorp
Classification: Uncertain significance for Neuroblastoma, susceptibility to, 3. Last evaluated: 2025-07-30. Review status: criteria provided, single submitter. Criteria: Invitae Variant Classification Sherloc (09022015). Collection method: clinical testing. Allele origin: germline.
Comment: This sequence change replaces phenylalanine, which is neutral and non-polar, with leucine, which is neutral and non-polar, at codon 1480 of the ALK protein (p.Phe1480Leu). This variant is present in population databases (no rsID available, gnomAD 0.003%). This variant has not been reported in the literature in individuals affected with ALK-related conditions. ClinVar contains an entry for this variant (Variation ID: 1424474). An algorithm developed to predict the effect of missense changes on protein structure and function (PolyPhen-2) suggests that this variant is likely to be tolerated. In summary, the available evidence is currently insufficient to determine the role of this variant in disease. Therefore, it has been classified as a Variant of Uncertain Significance.

Ambry Genetics
Classification: Uncertain significance for Hereditary cancer-predisposing syndrome. Last evaluated: 2025-03-15. Review status: criteria provided, single submitter. Criteria: Ambry Variant Classification Scheme 2023. Collection method: clinical testing. Allele origin: germline.
Comment: The p.F1480L variant (also known as c.4438T>C), located in coding exon 29 of the ALK gene, results from a T to C substitution at nucleotide position 4438. The phenylalanine at codon 1480 is replaced by leucine, an amino acid with highly similar properties. This amino acid position is not well conserved in available vertebrate species. In addition, this alteration is predicted to be tolerated by in silico analysis. Based on the available evidence, the clinical significance of this variant remains unclear.